The following is an entry in ClinVar:

ClinVar aggregate classification (germline): Conflicting classifications of pathogenicity. Review status: criteria provided, conflicting classifications (1 of 4 stars). 2 submissions from 2 submitters: Pathogenic (1); Uncertain significance (1). Last evaluated 2024-08-14.

Conditions:
Glycogen storage disease, type V (GSD5). Also called: MCARDLE DISEASE; MUSCLE GLYCOGEN PHOSPHORYLASE DEFICIENCY; MYOPHOSPHORYLASE DEFICIENCY; PYGM DEFICIENCY; McArdle type glycogen storage disease. Identifiers: Orphanet 368, MedGen C0017924, MONDO:0009293, OMIM 232600.

gnomAD v4.1: 2 of 1,613,876 alleles (0.00012%); highest among the groups gnomAD compares: East Asian, 0.0022%; no homozygotes.

Submissions (2):

Revvity Omics, Revvity
Classification: Uncertain significance for Glycogen storage disease, type V. Last evaluated: 2024-08-14. Review status: criteria provided, single submitter. Criteria: ACMG Guidelines, 2015. Collection method: clinical testing. Allele origin: germline.

Labcorp Genetics (formerly Invitae), Labcorp
Classification: Pathogenic for Glycogen storage disease, type V. Last evaluated: 2023-09-22. Review status: criteria provided, single submitter. Criteria: Invitae Variant Classification Sherloc (09022015). Collection method: clinical testing. Allele origin: germline.
Comment: For these reasons, this variant has been classified as Pathogenic. Advanced modeling of protein sequence and biophysical properties (such as structural, functional, and spatial information, amino acid conservation, physicochemical variation, residue mobility, and thermodynamic stability) performed at Invitae indicates that this missense variant is expected to disrupt PYGM protein function. ClinVar contains an entry for this variant (Variation ID: 1902365). This missense change has been observed in individual(s) with McArdle disease (PMID: 19472443, 29143597; Invitae). This variant is present in population databases (no rsID available, gnomAD 0.03%). This sequence change replaces glycine, which is neutral and non-polar, with arginine, which is basic and polar, at codon 135 of the PYGM protein (p.Gly135Arg).

Literature cited by the submitters: PubMed 19472443 (cited by Labcorp Genetics (formerly Invitae), Labcorp); PubMed 29143597 (cited by Labcorp Genetics (formerly Invitae), Labcorp).

NM_005609.4(PYGM):c.403G>C (p.Gly135Arg)

Gene: PYGM (glycogen phosphorylase, muscle associated; minus strand). Cytogenetic location: 11q13.1.
Variant type: single nucleotide variant.
Coding change: c.403G>C on transcript NM_005609.4 (MANE Select); coding-DNA position 403, G replaced by C.
Protein change: p.Gly135Arg; replaces glycine 135 with arginine.
Molecular consequence: missense variant. On other transcripts: intron variant (1).
Genome position (GRCh38, 1-based): chr11:64,758,458, C>G on the plus strand (G>C on the coding strand, the complement: PYGM is on the minus strand). VCF-style: chr11-64758458-C-G. GRCh37 (hg19) VCF-style: chr11-64525930-C-G.
Other names: c.244-192G>C (NM_001164716.1); short protein forms G135R.
Identifiers: ClinVar variation 1902365 (VCV001902365.6), dbSNP rs780246932, ClinGen allele CA381109644.